The following is an entry in ClinVar:

NM_001696.4(ATP6V1E1):c.100-57_115dup

Gene: ATP6V1E1 (ATPase H+ transporting V1 subunit E1; minus strand). Cytogenetic location: 22q11.21.
Variant type: Duplication.
Coding change: c.100-57_115dup on transcript NM_001696.4 (MANE Select); 57 bases into the intron before coding-DNA position 100 through coding-DNA position 115, 73 bases duplicated.
Molecular consequence: splice acceptor variant.
Genome position (GRCh38, 1-based): chr22:17,613,305-17,613,377, 73 bases duplicated. GRCh37 (hg19): chr22:18,096,071-18,096,143.
Other names: c.100-57_115dup73 (NM_001696.4); c.34-57_49dup (NM_001039366.1); c.100-57_115dup (NM_001039367.1).
Identifiers: ClinVar variation 4847812 (VCV004847812.1).

ClinVar aggregate classification (germline): Uncertain significance (1 of 4 stars; one submission).

Submission:

Women's Health and Genetics/Laboratory Corporation of America, LabCorp
Classification: Uncertain significance. Last evaluated: 2026-02-26. Review status: criteria provided, single submitter. Criteria: LabCorp Variant Classification Summary - May 2015. Collection method: clinical testing. Allele origin: germline.
Comment: Variant summary: ATP6V1E1 c.100-57_115dup73 results in a large duplication including a canonical splice site and therefore could affect mRNA splicing, leading to a significantly altered protein sequence. Currently, there is insufficient clinical and functional evidence to establish loss of function as a mechanism of disease in this gene. Several computational tools predict a significant impact on normal splicing: Four predict the variant no significant impact on splicing. Four predict the variant creates a 3' acceptor site. However, these predictions have yet to be confirmed by functional studies. The variant allele was found at a frequency of 8e-06 in 251068 control chromosomes. The available data on variant occurrences in the general population are insufficient to allow any conclusion about variant significance. To our knowledge, no occurrence of c.100-57_115dup73 in individuals affected with ATP6V1E1-related conditions and no experimental evidence demonstrating its impact on protein function have been reported. No submitters have cited clinical-significance assessments for this variant to ClinVar. Based on the evidence outlined above, the variant was classified as uncertain significance.